The following is an entry in ClinVar:

NM_006767.4(LZTR1):c.1591G>A (p.Asp531Asn)

Gene: LZTR1 (leucine zipper like post translational regulator 1; plus strand). Cytogenetic location: 22q11.21.
Variant type: single nucleotide variant.
Coding change: c.1591G>A on transcript NM_006767.4 (MANE Select); coding-DNA position 1591, G replaced by A.
Protein change: p.Asp531Asn; replaces aspartic acid 531 with asparagine.
Molecular consequence: missense variant.
Genome position (GRCh38, 1-based): chr22:20,994,245, G>A. VCF-style: chr22-20994245-G-A. GRCh37 (hg19) VCF-style: chr22-21348534-G-A.
Other names: short protein forms D531N.
Identifiers: ClinVar variation 1304020 (VCV001304020.20), dbSNP rs138615487, ClinGen allele CA10118951.

ClinVar aggregate classification (germline): Uncertain significance. Review status: criteria provided, multiple submitters, no conflicts (2 of 4 stars). 7 submissions from 7 submitters: Uncertain significance (7). Last evaluated 2026-06-16.

Conditions:
LZTR1-related schwannomatosis. Also called: Schwannomatosis 2; Schwannomatosis-2, susceptibility to. Identifiers: Orphanet 93921, MedGen C3810283, MONDO:0014299, OMIM 615670.
Hereditary cancer-predisposing syndrome. Also called: Neoplastic Syndromes, Hereditary; Hereditary Cancer Syndrome; Tumor predisposition; Hereditary neoplastic syndrome. Identifiers: Orphanet 140162, MedGen C0027672, MeSH D009386, MONDO:0015356.
Cardiovascular phenotype. Identifiers: MedGen CN230736.
LZTR1-related disorder. Also called: LZTR1-related disorders; LZTR1-related condition.

Allele frequency attached by ClinVar (database versions not stated): ExAC 0.00002; gnomAD exomes 0.00002 and 0.00003; gnomAD 0.00003; TOPMed 0.00003; ESP Exome Variant Server 0.00008.
gnomAD v4.1: 30 of 1,599,062 alleles (0.0019%); highest among the groups gnomAD compares: South Asian, 0.0022%; no homozygotes.

Submissions (7):

PreventionGenetics, part of Exact Sciences
Classification: Uncertain significance for LZTR1-related condition. Last evaluated: 2026-06-16. Review status: criteria provided, single submitter. Criteria: ACMG Guidelines, 2015. Collection method: clinical testing. Allele origin: germline.
Comment: The LZTR1 c.1591G>A variant is predicted to result in the amino acid substitution p.Asp531Asn. This variant was reported in the compound heterozygous state along with a pathogenic LZTR1 variant in an individual with Noonan syndrome (Pagnamenta et al. 2019. PubMed ID: 30859559) and presumably in the compound heterozygous state in a patient with hypertrophic cardiomyopathy (Tables S2 and S4, Bagnall et al. 2022. PubMed ID: 36252119). This variant is reported in 0.041% of alleles in individuals of Ashkenazi Jewish descent in gnomAD and has been classified as uncertain by multiple submitters in ClinVar (Variation ID: 1304020). Although we suspect that this variant may be pathogenic, at this time, the clinical significance of this variant is uncertain due to the absence of conclusive functional and genetic evidence.

GeneDx
Classification: Uncertain significance. Last evaluated: 2026-01-07. Review status: criteria provided, single submitter. Criteria: GeneDx Variant Classification Process June 2021. Collection method: clinical testing. Allele origin: germline. Affected: yes.
Comment: In silico analysis supports that this missense variant has a deleterious effect on protein structure/function; This variant is associated with the following publications: (PMID: 30859559, 36252119)

Labcorp Genetics (formerly Invitae), Labcorp
Classification: Uncertain significance. Last evaluated: 2025-12-24. Review status: criteria provided, single submitter. Criteria: Invitae Variant Classification Sherloc (09022015). Collection method: clinical testing. Allele origin: germline.
Comment: This sequence change replaces aspartic acid, which is acidic and polar, with asparagine, which is neutral and polar, at codon 531 of the LZTR1 protein (p.Asp531Asn). This variant is present in population databases (rs138615487, gnomAD 0.05%). This missense change has been observed in individual(s) with clinical features of autosomal recessive Noonan syndrome (PMID: 30859559, 36252119). In at least one individual the data is consistent with being in trans (on the opposite chromosome) from a pathogenic variant. ClinVar contains an entry for this variant (Variation ID: 1304020). Invitae Evidence Modeling of protein sequence and biophysical properties (such as structural, functional, and spatial information, amino acid conservation, physicochemical variation, residue mobility, and thermodynamic stability) indicates that this missense variant is not expected to disrupt LZTR1 protein function with a negative predictive value of 80%. In summary, the available evidence is currently insufficient to determine the role of this variant in disease. Therefore, it has been classified as a Variant of Uncertain Significance.

Ambry Genetics
Classification: Uncertain significance for Cardiovascular phenotype; Hereditary cancer-predisposing syndrome. Last evaluated: 2025-01-31. Review status: criteria provided, single submitter. Criteria: Ambry Variant Classification Scheme 2023. Collection method: clinical testing. Allele origin: germline.
Comment: The p.D531N variant (also known as c.1591G>A), located in coding exon 14 of the LZTR1 gene, results from a G to A substitution at nucleotide position 1591. The aspartic acid at codon 531 is replaced by asparagine, an amino acid with highly similar properties. Exome sequencing of 9624 patients from the Deciphering Developmental Disorders (DDDs) study identified this variant in trans with a LZTR1 truncating mutation in one proband (Pagnamenta AT et al. Clin. Genet., 2019 06;95:693-703). This amino acid position is highly conserved in available vertebrate species. In addition, this alteration is predicted to be tolerated by in silico analysis. Since supporting evidence is limited at this time, the clinical significance of this alteration remains unclear.

Blueprint Genetics
Classification: Uncertain significance. Last evaluated: 2024-11-13. Review status: criteria provided, single submitter. Criteria: ACMG Guidelines, 2015. Collection method: clinical testing. Allele origin: germline.

Baylor Genetics
Classification: Uncertain significance for LZTR1-related schwannomatosis. Last evaluated: 2024-03-25. Review status: criteria provided, single submitter. Criteria: ACMG Guidelines, 2015. Collection method: clinical testing. Allele origin: unknown.

Women's Health and Genetics/Laboratory Corporation of America, LabCorp
Classification: Uncertain significance. Last evaluated: 2024-01-15. Review status: criteria provided, single submitter. Criteria: LabCorp Variant Classification Summary - May 2015. Collection method: clinical testing. Allele origin: germline.
Comment: Variant summary: LZTR1 c.1591G>A (p.Asp531Asn) results in a conservative amino acid change located in the BTB/POZ domain (IPR000210) of the encoded protein sequence. Four of five in-silico tools predict a damaging effect of the variant on protein function. The variant allele was found at a frequency of 2.6e-05 in 233862 control chromosomes (gnomAD). The available data on variant occurrences in the general population are insufficient to allow any conclusion about variant significance. c.1591G>A has been reported in the literature in at least one compound heterozygous individual affected with Noonan Syndrome 2 (e.g., Pagnamenta_2019) and one compound heterozygous pediatric hypertrophic cardiomyopathy patient (e.g., Bagnall_2022). These data indicate that the variant may be associated with disease. To our knowledge, no experimental evidence demonstrating an impact on protein function has been reported. The following publications have been ascertained in the context of this evaluation (PMID: 30859559, 36252119). ClinVar contains an entry for this variant (Variation ID: 1304020). Based on the evidence outlined above, the variant was classified as VUS-possibly pathogenic.

Literature cited by the submitters: PubMed 30859559 (cited by 3 submitters); PubMed 36252119 (cited by Labcorp Genetics (formerly Invitae), Labcorp and Women's Health and Genetics/Laboratory Corporation of America, LabCorp).